The following is an entry in ClinVar:

ClinVar aggregate classification (germline): Uncertain significance (1 of 4 stars; one submission).

Conditions:
Aortic aneurysm, familial thoracic 7 (AAT7). Also called: AORTIC DISSECTION, FAMILIAL, WITH OR WITHOUT AORTIC ANEURYSM. Identifiers: MedGen C3151077, MONDO:0013418, OMIM 613780.

Submission:

Labcorp Genetics (formerly Invitae), Labcorp
Classification: Uncertain significance for Aortic aneurysm, familial thoracic 7. Last evaluated: 2022-05-07. Review status: criteria provided, single submitter. Criteria: Invitae Variant Classification Sherloc (09022015). Collection method: clinical testing. Allele origin: germline.
Comment: In summary, the available evidence is currently insufficient to determine the role of this variant in disease. Therefore, it has been classified as a Variant of Uncertain Significance. Advanced modeling of protein sequence and biophysical properties (such as structural, functional, and spatial information, amino acid conservation, physicochemical variation, residue mobility, and thermodynamic stability) performed at Invitae indicates that this missense variant is not expected to disrupt MYLK protein function. This variant has not been reported in the literature in individuals affected with MYLK-related conditions. This variant is not present in population databases (gnomAD no frequency). This sequence change replaces serine, which is neutral and polar, with arginine, which is basic and polar, at codon 618 of the MYLK protein (p.Ser618Arg).

NM_053025.4(MYLK):c.1854C>G (p.Ser618Arg)

Gene: MYLK (myosin light chain kinase; minus strand). Cytogenetic location: 3q21.1.
Variant type: single nucleotide variant.
Coding change: c.1854C>G on transcript NM_053025.4 (MANE Select); coding-DNA position 1854, C replaced by G.
Protein change: p.Ser618Arg; replaces serine 618 with arginine.
Molecular consequence: missense variant.
Genome position (GRCh38, 1-based): chr3:123,709,844, G>C on the plus strand (C>G on the coding strand, the complement: MYLK is on the minus strand). VCF-style: chr3-123709844-G-C. GRCh37 (hg19) VCF-style: chr3-123428691-G-C.
Other names: c.1326C>G, p.Ser442Arg (NM_001321309.2); c.1647C>G, p.Ser549Arg (NM_053026.4, NM_053028.4); c.1854C>G, p.Ser618Arg (NM_053027.4); short protein forms S618R, S442R, S549R.
Identifiers: ClinVar variation 2112194 (VCV002112194.4), dbSNP rs2474323497, ClinGen allele CA354235082.